The following is an entry in ClinVar:

ClinVar aggregate classification (germline): Uncertain significance (1 of 4 stars; one submission).

Conditions:
Hereditary cancer-predisposing syndrome. Also called: Tumor predisposition; Hereditary neoplastic syndrome; Hereditary Cancer Syndrome; Neoplastic Syndromes, Hereditary. Identifiers: Orphanet 140162, MedGen C0027672, MeSH D009386, MONDO:0015356.

Submission:

Ambry Genetics
Classification: Uncertain significance for Hereditary cancer-predisposing syndrome. Last evaluated: 2024-01-26. Review status: criteria provided, single submitter. Criteria: Ambry Variant Classification Scheme 2023. Collection method: clinical testing. Allele origin: germline.
Comment: The p.L1004R variant (also known as c.3011T>G), located in coding exon 14 of the BLM gene, results from a T to G substitution at nucleotide position 3011. The leucine at codon 1004 is replaced by arginine, an amino acid with dissimilar properties. This amino acid position is conserved. In addition, this alteration is predicted to be deleterious by in silico analysis. Based on the available evidence, the clinical significance of this alteration remains unclear.

NM_000057.4(BLM):c.3011T>G (p.Leu1004Arg)

Gene: BLM (BLM RecQ like helicase; plus strand). Cytogenetic location: 15q26.1.
Variant type: single nucleotide variant.
Coding change: c.3011T>G on transcript NM_000057.4 (MANE Select); coding-DNA position 3011, T replaced by G.
Protein change: p.Leu1004Arg; replaces leucine 1004 with arginine.
Molecular consequence: missense variant.
Genome position (GRCh38, 1-based): chr15:90,790,836, T>G. VCF-style: chr15-90790836-T-G. GRCh37 (hg19) VCF-style: chr15-91334066-T-G.
Other names: c.3011T>G, p.Leu1004Arg (NM_001287246.2, NM_001287247.2); c.1886T>G, p.Leu629Arg (NM_001287248.2); short protein forms L1004R, L629R.
Identifiers: ClinVar variation 3224369 (VCV003224369.1), dbSNP rs2151184755, ClinGen allele CA393846614.